The following is an entry in ClinVar:

NM_003105.6(SORL1):c.5992C>G (p.Pro1998Ala)

Gene: SORL1 (sortilin related receptor 1; plus strand). Cytogenetic location: 11q24.1.
Variant type: single nucleotide variant.
Coding change: c.5992C>G on transcript NM_003105.6 (MANE Select); coding-DNA position 5992, C replaced by G.
Protein change: p.Pro1998Ala; replaces proline 1998 with alanine.
Molecular consequence: missense variant.
Genome position (GRCh38, 1-based): chr11:121,621,166, C>G. VCF-style: chr11-121621166-C-G. GRCh37 (hg19) VCF-style: chr11-121491875-C-G.
Other names: short protein forms P1998A.
Identifiers: ClinVar variation 4728998 (VCV004728998.1).

ClinVar aggregate classification (germline): Uncertain significance (1 of 4 stars; one submission).

Submission:

Labcorp Genetics (formerly Invitae), Labcorp
Classification: Uncertain significance. Last evaluated: 2025-10-24. Review status: criteria provided, single submitter. Criteria: Invitae Variant Classification Sherloc (09022015). Collection method: clinical testing. Allele origin: germline.
Comment: This sequence change replaces proline, which is neutral and non-polar, with alanine, which is neutral and non-polar, at codon 1998 of the SORL1 protein (p.Pro1998Ala). This variant is not present in population databases (gnomAD no frequency). This variant has not been reported in the literature in individuals affected with SORL1-related conditions. An algorithm developed to predict the effect of missense changes on protein structure and function (PolyPhen-2) suggests that this variant is likely to be disruptive. In summary, the available evidence is currently insufficient to determine the role of this variant in disease. Therefore, it has been classified as a Variant of Uncertain Significance.